The following is an entry in ClinVar:

ClinVar aggregate classification (germline): Uncertain significance. Review status: criteria provided, multiple submitters, no conflicts (2 of 4 stars). 3 submissions from 3 submitters: Uncertain significance (3). Last evaluated 2025-10-27.

Allele frequency attached by ClinVar (database versions not stated): 1000 Genomes Project 30x 0.00047; ExAC 0.00049; 1000 Genomes Project 0.00040; ESP Exome Variant Server 0.00015.
gnomAD v4.1: 572 of 1,614,194 alleles (0.035%); highest among the groups gnomAD compares: Non-Finnish European, 0.044%; no homozygotes.

Submissions (3):

Women's Health and Genetics/Laboratory Corporation of America, LabCorp
Classification: Uncertain significance. Last evaluated: 2025-10-27. Review status: criteria provided, single submitter. Criteria: LabCorp Variant Classification Summary - May 2015. Collection method: clinical testing. Allele origin: germline.
Comment: Variant summary: ARHGEF10 c.3694C>G (p.Leu1232Val) results in a conservative amino acid change in the encoded protein sequence. Algorithms developed to predict the effect of missense changes on protein structure and function all suggest that this variant is likely to be tolerated. The variant allele was found at a frequency of 0.00034 in 251438 control chromosomes, predominantly at a frequency of 0.00067 within the Non-Finnish European subpopulation in the gnomAD database. This frequency is not significantly higher than estimated for disease-causing variants in ARHGEF10, allowing no conclusion about variant significance. To our knowledge, no occurrence of c.3694C>G in individuals affected with ARHGEF10-related conditions and no experimental evidence demonstrating its impact on protein function have been reported. ClinVar contains an entry for this variant (Variation ID: 1509220). Based on the evidence outlined above, the variant was classified as uncertain significance.

Labcorp Genetics (formerly Invitae), Labcorp
Classification: Uncertain significance. Last evaluated: 2025-05-14. Review status: criteria provided, single submitter. Criteria: Invitae Variant Classification Sherloc (09022015). Collection method: clinical testing. Allele origin: germline.
Comment: This sequence change replaces leucine, which is neutral and non-polar, with valine, which is neutral and non-polar, at codon 1232 of the ARHGEF10 protein (p.Leu1232Val). This variant is present in population databases (rs200895319, gnomAD 0.07%), and has an allele count higher than expected for a pathogenic variant. This variant has not been reported in the literature in individuals affected with ARHGEF10-related conditions. ClinVar contains an entry for this variant (Variation ID: 1509220). Invitae Evidence Modeling of protein sequence and biophysical properties (such as structural, functional, and spatial information, amino acid conservation, physicochemical variation, residue mobility, and thermodynamic stability) indicates that this missense variant is not expected to disrupt ARHGEF10 protein function with a negative predictive value of 80%. In summary, the available evidence is currently insufficient to determine the role of this variant in disease. Therefore, it has been classified as a Variant of Uncertain Significance.

Ambry Genetics
Classification: Uncertain significance. Last evaluated: 2024-09-02. Review status: criteria provided, single submitter. Criteria: Ambry Variant Classification Scheme 2023. Collection method: clinical testing. Allele origin: germline.

NM_014629.4(ARHGEF10):c.3694C>G (p.Leu1232Val)

Gene: ARHGEF10 (Rho guanine nucleotide exchange factor 10; plus strand). Cytogenetic location: 8p23.3.
Variant type: single nucleotide variant.
Coding change: c.3694C>G on transcript NM_014629.4 (MANE Select); coding-DNA position 3694, C replaced by G.
Protein change: p.Leu1232Val; replaces leucine 1232 with valine.
Molecular consequence: missense variant.
Genome position (GRCh38, 1-based): chr8:1,956,922, C>G. VCF-style: chr8-1956922-C-G. GRCh37 (hg19) VCF-style: chr8-1905088-C-G.
Other names: c.3694C>G (NM_014629.3); c.3580C>G, p.Leu1194Val (NM_001308152.2); c.3694C>G, p.Leu1232Val (NM_001308153.3); short protein forms L1194V, L1232V, L1256V.
Identifiers: ClinVar variation 1509220 (VCV001509220.10), dbSNP rs200895319, ClinGen allele CA4601463.